The following is an entry in ClinVar:

NM_000090.4(COL3A1):c.1525C>T (p.Arg509Cys)

Gene: COL3A1 (collagen type III alpha 1 chain; plus strand). Cytogenetic location: 2q32.2.
Variant type: single nucleotide variant.
Coding change: c.1525C>T on transcript NM_000090.4 (MANE Select); coding-DNA position 1525, C replaced by T.
Protein change: p.Arg509Cys; replaces arginine 509 with cysteine.
Molecular consequence: missense variant.
Genome position (GRCh38, 1-based): chr2:188,995,707, C>T. VCF-style: chr2-188995707-C-T. GRCh37 (hg19) VCF-style: chr2-189860433-C-T.
Other names: short protein forms R509C.
Identifiers: ClinVar variation 459765 (VCV000459765.13), dbSNP rs1485092842, ClinGen allele CA349852117.

ClinVar aggregate classification (germline): Uncertain significance. Review status: criteria provided, multiple submitters, no conflicts (2 of 4 stars). 2 submissions from 2 submitters: Uncertain significance (2). Last evaluated 2023-11-22.

Conditions:
Familial thoracic aortic aneurysm and aortic dissection (TAAD). Also called: Thoracic aortic aneurysms and dissections. Identifiers: Orphanet 91387, MedGen C4707243, MONDO:0019625.
Ehlers-Danlos syndrome, type 4 (EDSVASC). Also called: Ehlers-Danlos syndrome vascular type; Ehlers Danlos syndrome, ecchymotic type; Ehlers Danlos syndrome, arterial type; Ehlers Danlos syndrome, Sack-Barabas type; Ehlers-Danlos Syndrome Type IV. Identifiers: Orphanet 286, MedGen C0268338, MONDO:0017314, OMIM 130050.

Allele frequency attached by ClinVar (database versions not stated): TOPMed below 0.00001; gnomAD exomes 0.00001; gnomAD 0.00002.
gnomAD v4.1: 10 of 1,557,016 alleles (0.00064%); highest among the groups gnomAD compares: Non-Finnish European, 0.00078%; no homozygotes.

Submissions (2):

Color Diagnostics, LLC DBA Color Health
Classification: Uncertain significance for Familial thoracic aortic aneurysm and aortic dissection. Last evaluated: 2023-11-22. Review status: criteria provided, single submitter. Criteria: ACMG Guidelines, 2015. Collection method: clinical testing. Allele origin: germline.
Comment: This missense variant replaces arginine with cysteine at codon 509 of the COL3A1 protein. Computational prediction suggests that this variant may have deleterious impact on protein structure and function (internally defined REVEL score threshold >= 0.7, PMID: 27666373). To our knowledge, functional studies have not been reported for this variant. This variant has not been reported in individuals affected with COL3A1-related disorders in the literature. This variant has been identified in 2/195272 chromosomes in the general population by the Genome Aggregation Database (gnomAD). The available evidence is insufficient to determine the role of this variant in disease conclusively. Therefore, this variant is classified as a Variant of Uncertain Significance.

Labcorp Genetics (formerly Invitae), Labcorp
Classification: Uncertain significance for Ehlers-Danlos syndrome, type 4. Last evaluated: 2023-05-08. Review status: criteria provided, single submitter. Criteria: Invitae Variant Classification Sherloc (09022015). Collection method: clinical testing. Allele origin: germline.
Comment: In summary, the available evidence is currently insufficient to determine the role of this variant in disease. Therefore, it has been classified as a Variant of Uncertain Significance. This sequence change replaces arginine, which is basic and polar, with cysteine, which is neutral and slightly polar, at codon 509 of the COL3A1 protein (p.Arg509Cys). The frequency data for this variant in the population databases is considered unreliable, as metrics indicate poor data quality at this position in the gnomAD database. This missense change has been observed in individual(s) with clinical features of Ehlers-Danlos syndrome (Invitae). ClinVar contains an entry for this variant (Variation ID: 459765). Advanced modeling of protein sequence and biophysical properties (such as structural, functional, and spatial information, amino acid conservation, physicochemical variation, residue mobility, and thermodynamic stability) has been performed at Invitae for this missense variant, however the output from this modeling did not meet the statistical confidence thresholds required to predict the impact of this variant on COL3A1 protein function.